The following is an entry in ClinVar:

ClinVar aggregate classification (germline): Benign/Likely benign. Review status: criteria provided, multiple submitters, no conflicts (2 of 4 stars). 4 submissions from 4 submitters: Benign (3); Likely benign (1). Last evaluated 2026-02-01.

Conditions:
RASopathy. Also called: rasopathies; Noonan spectrum disorder. Identifiers: Orphanet 536391, MedGen C5555857, MONDO:0021060.

Allele frequency attached by ClinVar (database versions not stated): gnomAD 0.00006; TOPMed 0.00011; ESP Exome Variant Server 0.00023; gnomAD exomes 0.00062; ExAC 0.00105; 1000 Genomes Project 0.00180; 1000 Genomes Project 30x 0.00219.
gnomAD v4.1: 535 of 1,353,184 alleles (0.04%); highest among the groups gnomAD compares: South Asian, 0.48%; 8 homozygotes.

Submissions (4):

Labcorp Genetics (formerly Invitae), Labcorp
Classification: Benign for RASopathy. Last evaluated: 2026-02-01. Review status: criteria provided, single submitter. Criteria: Invitae Variant Classification Sherloc (09022015). Collection method: clinical testing. Allele origin: germline.

Blueprint Genetics
Classification: Likely benign. Last evaluated: 2024-11-06. Review status: criteria provided, single submitter. Criteria: ACMG Guidelines, 2015. Collection method: clinical testing. Allele origin: germline.

Women's Health and Genetics/Laboratory Corporation of America, LabCorp
Classification: Benign. Last evaluated: 2022-01-15. Review status: criteria provided, single submitter. Criteria: LabCorp Variant Classification Summary - May 2015. Collection method: clinical testing. Allele origin: germline.

GeneDx
Classification: Benign. Last evaluated: 2015-05-26. Review status: criteria provided, single submitter. Criteria: GeneDx Variant Classification (06012015). Collection method: clinical testing. Allele origin: germline. Affected: yes.
Comment: This variant is considered likely benign or benign based on one or more of the following criteria: it is a conservative change, it occurs at a poorly conserved position in the protein, it is predicted to be benign by multiple in silico algorithms, and/or has population frequency not consistent with disease.

NM_030662.4(MAP2K2):c.581-18G>A

Gene: MAP2K2 (mitogen-activated protein kinase kinase 2; minus strand). Cytogenetic location: 19p13.3.
Variant type: single nucleotide variant.
Coding change: c.581-18G>A on transcript NM_030662.4 (MANE Select); 18 bases into the intron before coding-DNA position 581, G replaced by A.
Molecular consequence: intron variant.
Genome position (GRCh38, 1-based): chr19:4,101,161, C>T on the plus strand (G>A on the coding strand, the complement: MAP2K2 is on the minus strand). VCF-style: chr19-4101161-C-T. GRCh37 (hg19) VCF-style: chr19-4101159-C-T.
Identifiers: ClinVar variation 378107 (VCV000378107.11), dbSNP rs372759920, ClinGen allele CA9090881.